The following continues an entry in ClinVar:

NM_000478.6(ALPL):c.978CTT[2] (p.Phe328del)

Gene: ALPL. ClinVar aggregate classification (germline): Pathogenic/Likely pathogenic. Pathogenic (13); Likely pathogenic (2).

Submissions 8 to 16 of 16:

Ambry Genetics
Classification: Pathogenic for Inborn genetic diseases. Last evaluated: 2024-12-10. Review status: criteria provided, single submitter. Criteria: Ambry Variant Classification Scheme 2023. Collection method: clinical testing. Allele origin: germline.
Comment: The c.984_986delCTT (p.F328del) alteration is located in exon 9 (coding exon 8) of the ALPL gene. This alteration consists of an in-frame deletion of 3 nucleotides between nucleotide positions c.984 and c.986, resulting in the deletion of 1 residue. Based on data from gnomAD, the c.984_986delCTT allele has an overall frequency of 0.001% (3/282562) total alleles studied. The highest observed frequency was 0.005% (1/19952) of East Asian alleles. This variant has been identified in conjunction with other ALPL variant(s) in individual(s) with features consistent with ALPL-related hypophosphatasia; in at least one instance, the variants were identified in trans (Orimo, 1997; Michigami, 2005; Wenkert, 2011; Xu, 2018; Del Angel, 2020; Seefried, 2021; Tang, 2021; Zhu, 2022). This amino acid position is well conserved in available vertebrate species. In multiple assays testing ALPL function, this variant showed functionally abnormal results (Michigami, 2005; Del Angel, 2020). This alteration is predicted to be deleterious by in silico analysis (Choi, 2012). Based on the available evidence, this alteration is classified as pathogenic.

Fulgent Genetics
Classification: Pathogenic for Adult hypophosphatasia; Infantile hypophosphatasia; Childhood hypophosphatasia. Last evaluated: 2024-06-10. Review status: criteria provided, single submitter. Criteria: ACMG Guidelines, 2015. Collection method: clinical testing. Allele origin: germline.

Baylor Genetics
Classification: Pathogenic for Adult hypophosphatasia. Last evaluated: 2024-02-03. Review status: criteria provided, single submitter. Criteria: ACMG Guidelines, 2015. Collection method: clinical testing. Allele origin: unknown.

Women's Health and Genetics/Laboratory Corporation of America, LabCorp
Classification: Pathogenic for Hypophosphatasia. Last evaluated: 2023-08-15. Review status: criteria provided, single submitter. Criteria: LabCorp Variant Classification Summary - May 2015. Collection method: clinical testing. Allele origin: germline.
Comment: Variant summary: ALPL c.984_986delCTT (p.Phe328del) results in an in-frame deletion that is predicted to remove 1 amino acid from the encoded protein. The variant allele was found at a frequency of 8e-06 in 251166 control chromosomes (gnomAD). c.984_986delCTT has been reported in the literature in individuals affected with Hypophosphatasia, Autosomal Recessive (Chang_2012, Orimo_1997, Seefried_2021), and these patients were reported as compound heterozygous with other (likely) pathogenic variants. These data indicate that the variant is likely to be associated with disease. At least one publication reports experimental evidence evaluating an impact on protein function, finding that the variant results in <5% of normal enzymatic activity (del Angel_2020). The following publications have been ascertained in the context of this evaluation (PMID: 32160374, 21638016, 32987199, 9192863). Four submitters have cited clinical-significance assessments for this variant to ClinVar after 2014. All submitters classified the variant as pathogenic/likely pathogenic. Based on the evidence outlined above, the variant was classified as pathogenic.

Blueprint Genetics
Classification: Pathogenic for ALPL-related disorders. Last evaluated: 2022-11-18. Review status: criteria provided, single submitter. Criteria: ACMG Guidelines, 2015. Collection method: clinical testing. Allele origin: germline. Affected: yes. Observed: 3 variant alleles.

Genome Diagnostics Laboratory, The Hospital for Sick Children
Classification: Likely pathogenic for Osteogenesis imperfecta. Last evaluated: 2019-03-01. Review status: criteria provided, single submitter. Criteria: ACMG Guidelines, 2015. Collection method: clinical testing. Allele origin: germline.

ARUP Laboratories, Molecular Genetics and Genomics, ARUP Laboratories
Classification: Likely pathogenic. Last evaluated: 2019-01-24. Review status: criteria provided, single submitter. Criteria: ARUP Molecular Germline Variant Investigation Process. Collection method: clinical testing. Allele origin: germline.
Comment: The ALPL c.984_986delCTT; p.Phe328del variant (rs753338851) has been described in multiple individuals affected with hypophosphatasia (Chang 2012, Orimo 1997, Taillandier 2015, Xu 2018). It is observed in the general population at a low overall frequency of 0.001% (3/282562 alleles) in the Genome Aggregation Database. This variant deletes a single phenylalanine residue leaving the rest of the protein in-frame. Based on available information, this variant is considered likely pathogenic. REFERENCES Chang K et al. Novel heterozygous tissue-nonspecific alkaline phosphatase (TNAP) gene mutations causing lethal perinatal hypophosphatasia. J Bone Miner Metab. 2012 Jan;30(1):109-13. Orimo H et al. Detection of deletion 1154-1156 hypophosphatasia mutation using TNSALP exon amplification. Genomics. 1997 Jun 1;42(2):364-6. Taillandier A et al. Molecular diagnosis of hypophosphatasia and differential diagnosis by targeted Next Generation Sequencing. Mol Genet Metab. 2015 Nov; 116(3): 215-220. Xu L et al. Four novel mutations in the ALPL gene in Chinese patients with odonto, childhood, and adult hypophosphatasia. Biosci Rep. 2018 Aug 29;38(4).

Juno Genomics, Hangzhou Juno Genomics, Inc
Classification: Pathogenic for Childhood hypophosphatasia; Infantile hypophosphatasia. Review status: criteria provided, single submitter. Criteria: ACMG Guidelines, 2015. Collection method: clinical testing. Allele origin: germline.
Comment: Absent from controls (or at extremely low frequency if recessive) in Genome Aggregation Database.;Protein length changes due to in-frame deletions/insertions in a non-repeat region or stop-loss variants.;For recessive disorders, detected in trans with a pathogenic variant.;Patient's phenotype or family history is highly specific for a disease with a single genetic etiology.

Exeter Genomics Laboratory, Royal Devon University Healthcare NHS Foundation Trust
Classification: Pathogenic for Hypophosphataemia or rickets. Last evaluated: 2025-06-13. Review status: no assertion criteria provided. Collection method: clinical testing. Allele origin: germline. Affected: yes. Not counted in ClinVar's aggregate classification.

Literature cited by the submitters: PubMed 9192863 (cited by 4 submitters); PubMed 15660230 (cited by 4 submitters); PubMed 21638016 (cited by 5 submitters); PubMed 26432670 (cited by Labcorp Genetics (formerly Invitae), Labcorp and Genomenon, Inc); PubMed 29724887 (cited by 3 submitters); PubMed 35197081 (cited by Variantyx, Inc. and Victorian Clinical Genetics Services, Murdoch Childrens Research Institute); PubMed 32160374 (cited by 3 submitters); PubMed 32973344 (cited by Natera, Inc. and Genomenon, Inc); PubMed 19500388 (cited by Victorian Clinical Genetics Services, Murdoch Childrens Research Institute); PubMed 37107680 (cited by Victorian Clinical Genetics Services, Murdoch Childrens Research Institute); PubMed 33777089 (cited by 3 submitters); PubMed 38374822 (cited by Victorian Clinical Genetics Services, Murdoch Childrens Research Institute); PubMed 20301329 (cited by Victorian Clinical Genetics Services, Murdoch Childrens Research Institute); PubMed 36514157 (cited by Victorian Clinical Genetics Services, Murdoch Childrens Research Institute); PubMed 23688511 (cited by Victorian Clinical Genetics Services, Murdoch Childrens Research Institute); PubMed 36361766 (cited by Victorian Clinical Genetics Services, Murdoch Childrens Research Institute and Genomenon, Inc); PubMed 31707452 (cited by Victorian Clinical Genetics Services, Murdoch Childrens Research Institute and Genomenon, Inc); PubMed 31980526 (cited by Genomenon, Inc); PubMed 28127875 (cited by Genomenon, Inc); PubMed 34673643 (cited by Genomenon, Inc and Ambry Genetics); PubMed 33579333 (cited by Genomenon, Inc); PubMed 33814268 (cited by Genomenon, Inc); PubMed 32811521 (cited by Genomenon, Inc); PubMed 31600233 (cited by Genomenon, Inc); PubMed 11855933 (cited by Genomenon, Inc); PubMed 24276437 (cited by Genomenon, Inc); PubMed 21713987 (cited by Ambry Genetics); PubMed 32987199 (cited by Ambry Genetics and Women's Health and Genetics/Laboratory Corporation of America, LabCorp); PubMed 35726512 (cited by Ambry Genetics).